The following is an entry in ClinVar:

NM_015175.3(NBEAL2):c.386C>T (p.Thr129Met)

Gene: NBEAL2 (neurobeachin like 2; plus strand). Cytogenetic location: 3p21.31.
Variant type: single nucleotide variant.
Coding change: c.386C>T on transcript NM_015175.3 (MANE Select); coding-DNA position 386, C replaced by T.
Protein change: p.Thr129Met; replaces threonine 129 with methionine.
Molecular consequence: missense variant.
Genome position (GRCh38, 1-based): chr3:46,989,294, C>T. VCF-style: chr3-46989294-C-T. GRCh37 (hg19) VCF-style: chr3-47030784-C-T.
Other names: c.365C>T, p.Thr122Met (NM_001365116.2); short protein forms T122M, T129M.
Identifiers: ClinVar variation 4981673 (VCV004981673.1).

ClinVar aggregate classification (germline): Uncertain significance (1 of 4 stars; one submission).

Conditions:
NBEAL2-related disorder. Also called: NBEAL2-related condition.

gnomAD v4.1: 112 of 1,608,524 alleles (0.007%); highest among the groups gnomAD compares: South Asian, 0.012%; no homozygotes.

Submission:

PreventionGenetics, part of Exact Sciences
Classification: Uncertain significance for NBEAL2-related condition. Last evaluated: 2026-02-27. Review status: criteria provided, single submitter. Criteria: ACMG Guidelines, 2015. Collection method: clinical testing. Allele origin: germline.
Comment: The NBEAL2 c.386C>T variant is predicted to result in the amino acid substitution p.Thr129Met. To our knowledge, this variant has not been reported in the literature. This variant is reported in 0.020% of alleles in individuals of European (Non-Finnish) descent in gnomAD. At this time, the clinical significance of this variant is uncertain due to the absence of conclusive functional and genetic evidence.